The following is an entry in ClinVar:

ClinVar aggregate classification (germline): Benign (1 of 4 stars; one submission).

Allele frequency attached by ClinVar (database versions not stated): gnomAD exomes 0.87169; 1000 Genomes Project 0.88478; 1000 Genomes Project 30x 0.88757; TOPMed 0.90483.
gnomAD v4.1: 501,283 of 570,706 alleles (88%); highest among the groups gnomAD compares: African/African-American, 95%; 220,920 homozygotes.

Submission:

GeneDx
Classification: Benign. Last evaluated: 2018-06-14. Review status: criteria provided, single submitter. Criteria: GeneDx Variant Classification (06012015). Collection method: clinical testing. Allele origin: germline. Affected: yes.
Comment: This variant is considered likely benign or benign based on one or more of the following criteria: it is a conservative change, it occurs at a poorly conserved position in the protein, it is predicted to be benign by multiple in silico algorithms, and/or has population frequency not consistent with disease.

NM_006939.4(SOS2):c.2668-120T>C

Gene: SOS2 (SOS Ras/Rho guanine nucleotide exchange factor 2; minus strand). Cytogenetic location: 14q21.3.
Variant type: single nucleotide variant.
Coding change: c.2668-120T>C on transcript NM_006939.4 (MANE Select); 120 bases into the intron before coding-DNA position 2668, T replaced by C.
Molecular consequence: intron variant.
Genome position (GRCh38, 1-based): chr14:50,140,179, A>G on the plus strand (T>C on the coding strand, the complement: SOS2 is on the minus strand). VCF-style: chr14-50140179-A-G. GRCh37 (hg19) VCF-style: chr14-50606897-A-G.
Identifiers: ClinVar variation 561538 (VCV000561538.1), dbSNP rs2024808, ClinGen allele CA260720257.